The following is an entry in ClinVar:

ClinVar aggregate classification (germline): Uncertain significance (1 of 4 stars; one submission).

Allele frequency attached by ClinVar (database versions not stated): TOPMed below 0.00001.

Submission:

Labcorp Genetics (formerly Invitae), Labcorp
Classification: Uncertain significance. Last evaluated: 2022-05-04. Review status: criteria provided, single submitter. Criteria: Invitae Variant Classification Sherloc (09022015). Collection method: clinical testing. Allele origin: germline.
Comment: In summary, the available evidence is currently insufficient to determine the role of this variant in disease. Therefore, it has been classified as a Variant of Uncertain Significance. Algorithms developed to predict the effect of missense changes on protein structure and function are either unavailable or do not agree on the potential impact of this missense change (SIFT: "Deleterious"; PolyPhen-2: "Benign"; Align-GVGD: "Class C15"). This variant has not been reported in the literature in individuals affected with BRD4-related conditions. This variant is not present in population databases (gnomAD no frequency). This sequence change replaces alanine, which is neutral and non-polar, with glutamic acid, which is acidic and polar, at codon 792 of the BRD4 protein (p.Ala792Glu).

NM_001379291.1(BRD4):c.2375C>A (p.Ala792Glu)

Gene: BRD4 (bromodomain containing 4; minus strand). Cytogenetic location: 19p13.12.
Variant type: single nucleotide variant.
Coding change: c.2375C>A on transcript NM_001379291.1 (MANE Select); coding-DNA position 2375, C replaced by A.
Protein change: p.Ala792Glu; replaces alanine 792 with glutamic acid.
Molecular consequence: missense variant.
Genome position (GRCh38, 1-based): chr19:15,244,437, G>T on the plus strand (C>A on the coding strand, the complement: BRD4 is on the minus strand). VCF-style: chr19-15244437-G-T. GRCh37 (hg19) VCF-style: chr19-15355248-G-T.
Other names: c.2375C>A, p.Ala792Glu (NM_058243.3); short protein forms A792E.
Identifiers: ClinVar variation 2127813 (VCV002127813.4), dbSNP rs967021402, ClinGen allele CA305790497.